The following is an entry in ClinVar:

ClinVar aggregate classification (germline): Pathogenic (1 of 4 stars; one submission).

Conditions:
Neurofibromatosis, type 1 (NF1). Also called: NEUROFIBROMATOSIS, TYPE I, SOMATIC; Peripheral type neurofibromatosis; Neurofibromatosis, type I; VON RECKLINGHAUSEN DISEASE. Identifiers: Orphanet 636, MedGen C0027831, MONDO:0018975, OMIM 162200. Disease mechanism: loss of function.

Submission:

Regional Center For Medical Genetics Timis, Louis Turcanu Emergency Hospital for Children Timisoara
Classification: Pathogenic for Neurofibromatosis, type 1. Review status: criteria provided, single submitter. Criteria: ACMG Guidelines, 2015. Collection method: clinical testing. Allele origin: unknown. Affected: yes.
Comment: This variant is a deletion of the genomic region encompassing exon 2 of the NF1 gene. While this deletion is not anticipated to result in nonsense mediated decay, it is expected to create a truncated protein product. Multiple missense variants located within the deleted region, have been determined to be pathogenic. This suggests that this region is critical for NF1 protein function and that the deletion of the NF1 protein may also be pathogenic. The patient's phenotype is specific for NF1. For these reasons, this variant has been classified as pathogenic.

NM_001042492.3:c.(60+1_61-1)_(204+1_205-1)del

Gene: NF1 (neurofibromin 1; plus strand).
Variant type: Deletion.
Other names: c.(60+1_61-1)_(204+1_205-1)del (NM_001042492.3).
Identifiers: ClinVar variation 4857618 (VCV004857618.1).